The following is an entry in ClinVar:

ClinVar aggregate classification (germline): Uncertain significance (1 of 4 stars; one submission).

Conditions:
Primary ciliary dyskinesia. Also called: Ciliary dyskinesia. Identifiers: Orphanet 244, MedGen C0008780, MONDO:0016575, HP:0012265.

gnomAD v4.1: 4 of 1,613,318 alleles (0.00025%); highest among the groups gnomAD compares: Admixed American, 0.0033%; no homozygotes.

Submission:

Ambry Genetics
Classification: Uncertain significance for Primary ciliary dyskinesia. Last evaluated: 2026-03-14. Review status: criteria provided, single submitter. Criteria: Ambry Variant Classification Scheme 2023. Collection method: clinical testing. Allele origin: germline.
Comment: The p.L2056F variant (also known as c.6166C>T), located in coding exon 36 of the DNAH11 gene, results from a C to T substitution at nucleotide position 6166. The leucine at codon 2056 is replaced by phenylalanine, an amino acid with highly similar properties. This amino acid position is conserved. In addition, this alteration is predicted to be tolerated by in silico analysis. Based on the available evidence, the clinical significance of this variant remains unclear.

NM_001277115.2(DNAH11):c.6166C>T (p.Leu2056Phe)

Gene: DNAH11 (dynein axonemal heavy chain 11; plus strand). Cytogenetic location: 7p15.3.
Variant type: single nucleotide variant.
Coding change: c.6166C>T on transcript NM_001277115.2 (MANE Select); coding-DNA position 6166, C replaced by T.
Protein change: p.Leu2056Phe; replaces leucine 2056 with phenylalanine.
Molecular consequence: missense variant.
Genome position (GRCh38, 1-based): chr7:21,698,199, C>T. VCF-style: chr7-21698199-C-T. GRCh37 (hg19) VCF-style: chr7-21737817-C-T.
Other names: short protein forms L2056F.
Identifiers: ClinVar variation 4827677 (VCV004827677.1).